The following is an entry in ClinVar:

ClinVar aggregate classification (germline): Pathogenic (1 of 4 stars; one submission).

Submission:

Labcorp Genetics (formerly Invitae), Labcorp
Classification: Pathogenic. Last evaluated: 2025-12-24. Review status: criteria provided, single submitter. Criteria: Invitae Variant Classification Sherloc (09022015). Collection method: clinical testing. Allele origin: germline.
Comment: This sequence change creates a premature translational stop signal (p.Trp4*) in the CNGB1 gene. It is expected to result in an absent or disrupted protein product. Loss-of-function variants in CNGB1 are known to be pathogenic (PMID: 15557452, 24043777). This variant is not present in population databases (gnomAD no frequency). This variant has not been reported in the literature in individuals affected with CNGB1-related conditions. For these reasons, this variant has been classified as Pathogenic.

Literature cited by the submitters: PubMed 15557452; PubMed 24043777.

NM_001297.5(CNGB1):c.12G>A (p.Trp4Ter)

Gene: CNGB1 (cyclic nucleotide gated channel subunit beta 1; minus strand). Cytogenetic location: 16q21.
Variant type: single nucleotide variant.
Coding change: c.12G>A on transcript NM_001297.5 (MANE Select); coding-DNA position 12, G replaced by A.
Protein change: p.Trp4Ter; replaces tryptophan 4 with a stop codon.
Molecular consequence: nonsense.
Genome position (GRCh38, 1-based): chr16:57,967,275, C>T on the plus strand (G>A on the coding strand, the complement: CNGB1 is on the minus strand). VCF-style: chr16-57967275-C-T. GRCh37 (hg19) VCF-style: chr16-58001179-C-T.
Other names: c.12G>A, p.Trp4Ter (NM_001135639.2, NM_001286130.2); short protein forms W4*.
Identifiers: ClinVar variation 4771651 (VCV004771651.1).